The following is an entry in ClinVar:

ClinVar aggregate classification (germline): Uncertain significance. Review status: criteria provided, multiple submitters, no conflicts (2 of 4 stars). 2 submissions from 2 submitters: Uncertain significance (2). Last evaluated 2025-04-01.

Conditions:
Inborn genetic diseases. Identifiers: MedGen C0950123, MeSH D030342.

Allele frequency attached by ClinVar (database versions not stated): gnomAD 0.00001.
gnomAD v4.1: 4 of 1,548,542 alleles (0.00026%); highest among the groups gnomAD compares: Admixed American, 0.0075%; no homozygotes.

Submissions (2):

Ambry Genetics
Classification: Uncertain significance for Inborn genetic diseases. Last evaluated: 2025-04-01. Review status: criteria provided, single submitter. Criteria: Ambry Variant Classification Scheme 2023. Collection method: clinical testing. Allele origin: germline.

Labcorp Genetics (formerly Invitae), Labcorp
Classification: Uncertain significance. Last evaluated: 2022-10-11. Review status: criteria provided, single submitter. Criteria: Invitae Variant Classification Sherloc (09022015). Collection method: clinical testing. Allele origin: germline.
Comment: In summary, the available evidence is currently insufficient to determine the role of this variant in disease. Therefore, it has been classified as a Variant of Uncertain Significance. Algorithms developed to predict the effect of missense changes on protein structure and function are either unavailable or do not agree on the potential impact of this missense change (SIFT: "Deleterious"; PolyPhen-2: "Benign"; Align-GVGD: "Class C35"). ClinVar contains an entry for this variant (Variation ID: 1407688). This variant has not been reported in the literature in individuals affected with PRDM13-related conditions. This variant is not present in population databases (gnomAD no frequency). This sequence change replaces glutamine, which is neutral and polar, with leucine, which is neutral and non-polar, at codon 268 of the PRDM13 protein (p.Gln268Leu).

NM_021620.4(PRDM13):c.803A>T (p.Gln268Leu)

Gene: PRDM13 (PR/SET domain 13; plus strand). Cytogenetic location: 6q16.2.
Variant type: single nucleotide variant.
Coding change: c.803A>T on transcript NM_021620.4 (MANE Select); coding-DNA position 803, A replaced by T.
Protein change: p.Gln268Leu; replaces glutamine 268 with leucine.
Molecular consequence: missense variant.
Genome position (GRCh38, 1-based): chr6:99,613,438, A>T. VCF-style: chr6-99613438-A-T. GRCh37 (hg19) VCF-style: chr6-100061314-A-T.
Other names: c.803A>T (NM_021620.3); short protein forms Q268L.
Identifiers: ClinVar variation 1407688 (VCV001407688.8), dbSNP rs1282210239, ClinGen allele CA365116382.